The following is an entry in ClinVar:

ClinVar aggregate classification (germline): Uncertain significance. Review status: criteria provided, multiple submitters, no conflicts (2 of 4 stars). 3 submissions from 3 submitters: Uncertain significance (3). Last evaluated 2024-03-01.

Conditions:
Inborn genetic diseases. Identifiers: MedGen C0950123, MeSH D030342.

Allele frequency attached by ClinVar (database versions not stated): gnomAD exomes 0.00002 and 0.00003; ExAC 0.00004; TOPMed 0.00021; gnomAD 0.00023 and 0.00027; ESP Exome Variant Server 0.00031.
gnomAD v4.1: 61 of 1,554,018 alleles (0.0039%); highest among the groups gnomAD compares: African/African-American, 0.08%; no homozygotes.

Submissions (3):

GeneDx
Classification: Uncertain significance. Last evaluated: 2024-03-01. Review status: criteria provided, single submitter. Criteria: GeneDx Variant Classification Process June 2021. Collection method: clinical testing. Allele origin: germline. Affected: yes.
Comment: In silico analysis supports that this missense variant does not alter protein structure/function; Has not been previously published as pathogenic or benign to our knowledge

Labcorp Genetics (formerly Invitae), Labcorp
Classification: Uncertain significance. Last evaluated: 2022-08-23. Review status: criteria provided, single submitter. Criteria: Invitae Variant Classification Sherloc (09022015). Collection method: clinical testing. Allele origin: germline.
Comment: This sequence change replaces serine, which is neutral and polar, with glycine, which is neutral and non-polar, at codon 1926 of the MCM3AP protein (p.Ser1926Gly). This variant is present in population databases (rs139533539, gnomAD 0.07%). This variant has not been reported in the literature in individuals affected with MCM3AP-related conditions. ClinVar contains an entry for this variant (Variation ID: 1349083). Algorithms developed to predict the effect of missense changes on protein structure and function (SIFT, PolyPhen-2, Align-GVGD) all suggest that this variant is likely to be tolerated. In summary, the available evidence is currently insufficient to determine the role of this variant in disease. Therefore, it has been classified as a Variant of Uncertain Significance.

Ambry Genetics
Classification: Uncertain significance for Inborn genetic diseases. Last evaluated: 2021-08-17. Review status: criteria provided, single submitter. Criteria: Ambry Variant Classification Scheme 2023. Collection method: clinical testing. Allele origin: germline.

NM_003906.5(MCM3AP):c.5776A>G (p.Ser1926Gly)

Genes: MCM3AP (minichromosome maintenance complex component 3 associated protein; minus strand), MCM3AP-AS1 (MCM3AP antisense RNA 1; plus strand). Cytogenetic location: 21q22.3.
Variant type: single nucleotide variant.
Coding change: c.5776A>G on transcript NM_003906.5 (MANE Select); coding-DNA position 5776, A replaced by G.
Protein change: p.Ser1926Gly; replaces serine 1926 with glycine.
Molecular consequence: missense variant.
Genome position (GRCh38, 1-based): chr21:46,236,837, T>C on the plus strand (A>G on the coding strand, the complement: MCM3AP is on the minus strand). VCF-style: chr21-46236837-T-C. GRCh37 (hg19) VCF-style: chr21-47656751-T-C.
Other names: c.5776A>G (NM_003906.3); short protein forms S1926G.
Identifiers: ClinVar variation 1349083 (VCV001349083.5), dbSNP rs139533539, ClinGen allele CA10075759.